The following is an entry in ClinVar:

ClinVar aggregate classification (germline): Pathogenic (1 of 4 stars; one submission).

Conditions:
Neurofibromatosis, type 1 (NF1). Also called: Neurofibromatosis, type I; NEUROFIBROMATOSIS, TYPE I, SOMATIC; Peripheral type neurofibromatosis; VON RECKLINGHAUSEN DISEASE. Identifiers: Orphanet 636, MedGen C0027831, MONDO:0018975, OMIM 162200. Disease mechanism: loss of function.

Submission:

Labcorp Genetics (formerly Invitae), Labcorp
Classification: Pathogenic for Neurofibromatosis, type 1. Last evaluated: 2016-08-03. Review status: criteria provided, single submitter. Criteria: Invitae Variant Classification Sherloc (09022015). Collection method: clinical testing. Allele origin: germline.
Comment: While this particular variant has not been reported in the literature, loss-of-function variants in NF1 are known to be pathogenic (PMID: 10712197, 23913538). For these reasons, this variant has been classified as Pathogenic. This sequence change deletes 1 nucleotide from exon 49 of the NF1 mRNA (c.7310delG), causing a frameshift at codon 2437. This creates a premature translational stop signal (p.Arg2437Lysfs*31) and is expected to result in an absent or disrupted protein product.

Literature cited by the submitters: PubMed 10712197; PubMed 23913538.

NM_001042492.3(NF1):c.7373del (p.Arg2458fs)

Gene: NF1 (neurofibromin 1; plus strand). Cytogenetic location: 17q11.2.
Variant type: Deletion.
Coding change: c.7373del on transcript NM_001042492.3 (MANE Select); coding-DNA position 7373, one base deleted (G; older notation c.7373delG).
Protein change: p.Arg2458fs; shifts the reading frame from arginine 2458.
Molecular consequence: frameshift variant.
Genome position (GRCh38, 1-based): chr17:31,350,234, G deleted. VCF-style (leftmost placement, unchanged base first): chr17-31350233-AG-A. GRCh37 (hg19) VCF-style: chr17-29677251-AG-A.
Other names: c.7310delG (NM_000267.3); c.7310delG, p.Arg2437Lysfs (NM_000267.4); short protein forms R2458fs, R2437fs.
Identifiers: ClinVar variation 404546 (VCV000404546.5), dbSNP rs1060500335, ClinGen allele CA16615329.